The following is an entry in ClinVar:

NM_173598.6(KSR2):c.2196G>A (p.Pro732=)

Gene: KSR2 (kinase suppressor of ras 2; minus strand). Cytogenetic location: 12q24.22.
Variant type: single nucleotide variant.
Coding change: c.2196G>A on transcript NM_173598.6 (MANE Select); coding-DNA position 2196, G replaced by A.
Protein change: p.Pro732=; no amino-acid change (proline 732 retained).
Molecular consequence: synonymous variant.
Genome position (GRCh38, 1-based): chr12:117,524,875, C>T on the plus strand (G>A on the coding strand, the complement: KSR2 is on the minus strand). VCF-style: chr12-117524875-C-T. GRCh37 (hg19) VCF-style: chr12-117962680-C-T.
Identifiers: ClinVar variation 3054863 (VCV003054863.2), dbSNP rs140960062, ClinGen allele CA6815811.

ClinVar aggregate classification (germline): Likely benign (0 of 4 stars; one submission).

Conditions:
KSR2-related disorder. Also called: KSR2-related condition.

Allele frequency attached by ClinVar (database versions not stated): TOPMed 0.00002; ExAC 0.00003; gnomAD 0.00004; 1000 Genomes Project 30x 0.00047; 1000 Genomes Project 0.00060.
gnomAD v4.1: 24 of 1,611,278 alleles (0.0015%); highest among the groups gnomAD compares: East Asian, 0.011%; no homozygotes.

Submission:

PreventionGenetics, part of Exact Sciences
Classification: Likely benign for KSR2-related condition. Last evaluated: 2020-05-11. Review status: no assertion criteria provided. Collection method: clinical testing. Allele origin: germline.
Comment: This variant is classified as likely benign based on ACMG/AMP sequence variant interpretation guidelines (Richards et al. 2015 PMID: 25741868, with internal and published modifications).